The following is an entry in ClinVar:

NM_000136.3(FANCC):c.1087C>T (p.His363Tyr)

Genes: AOPEP (aminopeptidase O (putative); plus strand), FANCC (FA complementation group C; minus strand). Cytogenetic location: 9q22.32.
Variant type: single nucleotide variant.
Coding change: c.1087C>T on transcript NM_000136.3 (MANE Select); coding-DNA position 1087, C replaced by T.
Protein change: p.His363Tyr; replaces histidine 363 with tyrosine.
Molecular consequence: missense variant.
Genome position (GRCh38, 1-based): chr9:95,114,696, G>A on the plus strand (C>T on the coding strand, the complement: FANCC is on the minus strand). VCF-style: chr9-95114696-G-A. GRCh37 (hg19) VCF-style: chr9-97876978-G-A.
Other names: c.1087C>T, p.His363Tyr (NM_001243743.2, NM_001243744.2); short protein forms H363Y.
Identifiers: ClinVar variation 5036485 (VCV005036485.1).

ClinVar aggregate classification (germline): Uncertain significance (1 of 4 stars; one submission).

Conditions:
Hereditary cancer-predisposing syndrome. Also called: Neoplastic Syndromes, Hereditary; Tumor predisposition; Hereditary neoplastic syndrome; Hereditary Cancer Syndrome. Identifiers: Orphanet 140162, MedGen C0027672, MeSH D009386, MONDO:0015356.

Submission:

Ambry Genetics
Classification: Uncertain significance for Hereditary cancer-predisposing syndrome. Last evaluated: 2026-09-04. Review status: criteria provided, single submitter. Criteria: Ambry Variant Classification Scheme 2023. Collection method: clinical testing. Allele origin: germline.
Comment: The p.H363Y variant (also known as c.1087C>T), located in coding exon 11 of the FANCC gene, results from a C to T substitution at nucleotide position 1087. The histidine at codon 363 is replaced by tyrosine, an amino acid with similar properties. This amino acid position is conserved. In addition, this alteration is predicted to be tolerated by in silico analysis. Based on the available evidence, the clinical significance of this variant remains unclear.